The following is an entry in ClinVar:

NM_015465.5(GEMIN5):c.4100T>C (p.Leu1367Pro)

Gene: GEMIN5 (gem nuclear organelle associated protein 5; minus strand). Cytogenetic location: 5q33.2.
Variant type: single nucleotide variant.
Coding change: c.4100T>C on transcript NM_015465.5 (MANE Select); coding-DNA position 4100, T replaced by C.
Protein change: p.Leu1367Pro; replaces leucine 1367 with proline.
Molecular consequence: missense variant.
Genome position (GRCh38, 1-based): chr5:154,891,403, A>G on the plus strand (T>C on the coding strand, the complement: GEMIN5 is on the minus strand). VCF-style: chr5-154891403-A-G. GRCh37 (hg19) VCF-style: chr5-154270963-A-G.
Other names: c.4097T>C, p.Leu1366Pro (NM_001252156.2); short protein forms L1366P, L1367P.
Identifiers: ClinVar variation 2631551 (VCV002631551.3), dbSNP rs200680023, ClinGen allele CA3528218.

ClinVar aggregate classification (germline): Likely pathogenic. Review status: criteria provided, multiple submitters, no conflicts (2 of 4 stars). 2 submissions from 2 submitters: Likely pathogenic (2). Last evaluated 2025-03-19.

Conditions:
GEMIN5-related disorder. Also called: GEMIN5-Related Disorders; GEMIN5-related condition.
Neurodevelopmental disorder with cerebellar atrophy and motor dysfunction. Identifiers: MedGen C5543427, MONDO:0859152, OMIM 619333.

Allele frequency attached by ClinVar (database versions not stated): ExAC 0.00006; gnomAD 0.00007; TOPMed 0.00008; gnomAD exomes 0.00011.
gnomAD v4.1: 165 of 1,613,970 alleles (0.01%); highest among the groups gnomAD compares: Non-Finnish European, 0.014%; no homozygotes.

Submissions (2):

Victorian Clinical Genetics Services, Murdoch Childrens Research Institute
Classification: Likely pathogenic for Neurodevelopmental disorder with cerebellar atrophy and motor dysfunction. Last evaluated: 2025-03-19. Review status: criteria provided, single submitter. Criteria: ACMG Guidelines, 2015. Collection method: clinical testing. Allele origin: germline. Affected: yes.
Comment: This variant is classified as Likely pathogenic. Evidence in support of pathogenic classification: Variant is present in gnomAD <0.01 for a recessive condition (v4: 165 heterozygote(s), 0 homozygote(s)); This variant has moderate previous evidence of pathogenicity in unrelated individuals. This variant has been classified as likely pathogenic by diagnostic laboratories in ClinVar, and reported in the literature in individuals with neurodevelopmental disorder (PMID: 33963192); This variant has moderate functional evidence supporting abnormal protein function. Functional studies in HEK293 cells showed that this variant results in decreased protein expression and protein stability compared to wildtype (PMID: 35393353). Additional information: Variant is predicted to result in a missense amino acid change from leucine to proline; This variant is heterozygous; This gene is associated with autosomal recessive disease; Alternative amino acid change(s) at the same position are present in gnomAD (Highest allele count: v4: 24 heterozygote(s), 0 homozygote(s)); No comparable missense variants have previous evidence for pathogenicity; Variant is located in the annotated GEMI5 RBS C-terminal domain (DECIPHER); Missense variant with inconclusive in silico prediction and uninformative conservation; Loss of function is a known mechanism of disease in this gene and is associated with neurodevelopmental disorder with cerebellar atrophy and motor dysfunction (MIM#619333).

PreventionGenetics, part of Exact Sciences
Classification: Likely pathogenic for GEMIN5-related condition. Last evaluated: 2023-01-27. Review status: criteria provided, single submitter. Criteria: ACMG Guidelines, 2015. Collection method: clinical testing. Allele origin: germline.
Comment: The GEMIN5 c.4100T>C variant is predicted to result in the amino acid substitution p.Leu1367Pro. This variant was reported in the compound heterozygous state multiple related and unrelated patients with developmental delays, hypotonia and cerebellar ataxia. Additional clinical manifestations reported in patients with the p.Leu1367Pro variant included tremors, hyperreflexia, muscular atrophy, contractures, epilepsy, cerebellar atrophy and volume loss in the pons and brainstem (Patients 17, 18, 19, 26, Supplementary material, Kour et al. 2021. PubMed ID: 33963192). This variant leads to a Proline substitution which is well-known for disrupting alpha helix secondary structure. Other missense variants leading to a Proline substitution have been reported including the p.Leu1068Pro variant which leads to loss of GEMIN5 and snRNP complex proteins expression in vitro (Kour et al. 2021. PubMed ID: 33963192). This variant is reported in 0.0085% of alleles in individuals of European (Non-Finnish) descent in gnomAD. This variant is interpreted as likely pathogenic.

Literature cited by the submitters: PubMed 35393353 (cited by Victorian Clinical Genetics Services, Murdoch Childrens Research Institute); PubMed 33963192 (cited by Victorian Clinical Genetics Services, Murdoch Childrens Research Institute).